The following is an entry in ClinVar:

NM_001205293.3(CACNA1E):c.2203G>T (p.Val735Phe)

Gene: CACNA1E (calcium voltage-gated channel subunit alpha1 E; plus strand). Cytogenetic location: 1q25.3.
Variant type: single nucleotide variant.
Coding change: c.2203G>T on transcript NM_001205293.3 (MANE Select); coding-DNA position 2203, G replaced by T.
Protein change: p.Val735Phe; replaces valine 735 with phenylalanine.
Molecular consequence: missense variant.
Genome position (GRCh38, 1-based): chr1:181,726,125, G>T. VCF-style: chr1-181726125-G-T. GRCh37 (hg19) VCF-style: chr1-181695261-G-T.
Other names: c.2203G>T, p.Val735Phe (NM_000721.4, NM_001205294.2); short protein forms V735F.
Identifiers: ClinVar variation 1703984 (VCV001703984.2), dbSNP rs528168265, ClinGen allele CA1275285.

ClinVar aggregate classification (germline): Uncertain significance (1 of 4 stars; one submission).

Allele frequency attached by ClinVar (database versions not stated): gnomAD exomes below 0.00001; ExAC 0.00001; gnomAD 0.00001; TOPMed 0.00001; 1000 Genomes Project 30x 0.00016; 1000 Genomes Project 0.00020.
gnomAD v4.1: 3 of 1,613,150 alleles (0.00019%); highest among the groups gnomAD compares: East Asian, 0.0045%; no homozygotes.

Submission:

GeneDx
Classification: Uncertain significance. Last evaluated: 2022-03-01. Review status: criteria provided, single submitter. Criteria: GeneDx Variant Classification Process June 2021. Collection method: clinical testing. Allele origin: germline. Affected: yes.
Comment: Has not been previously published as pathogenic or benign to our knowledge; In silico analysis supports that this missense variant has a deleterious effect on protein structure/function